The following is an entry in ClinVar:

ClinVar aggregate classification (germline): Benign/Likely benign. Review status: criteria provided, multiple submitters, no conflicts (2 of 4 stars). 10 submissions from 10 submitters: Benign (3); Likely benign (6). 1 of the submissions does not count toward it. Last evaluated 2026-01-02.

Conditions:
ANK2-related disorder. Also called: ANK2-related condition.
Cardiovascular phenotype. Identifiers: MedGen CN230736.
Long QT syndrome (LQTS). Identifiers: MedGen C0023976, MeSH D008133, MONDO:0002442. Disease mechanism: loss of function. Inheritance: Various modes of inheritance.
Cardiac arrhythmia, ankyrin-B-related. Also called: ANKYRIN-B SYNDROME. Identifiers: Orphanet 101016, Orphanet 768, MedGen C1970119, MONDO:0010958, OMIM 600919.

Allele frequency attached by ClinVar (database versions not stated): gnomAD 0.00006 and 0.00027; TOPMed 0.00006; ESP Exome Variant Server 0.00008; gnomAD exomes 0.00036 and 0.00059; ExAC 0.00068; 1000 Genomes Project 30x 0.00078; 1000 Genomes Project 0.00080.
gnomAD v4.1: 558 of 1,614,160 alleles (0.035%); highest among the groups gnomAD compares: South Asian, 0.53%; 5 homozygotes.

Submissions (10):

Labcorp Genetics (formerly Invitae), Labcorp
Classification: Likely benign for Long QT syndrome. Last evaluated: 2026-01-02. Review status: criteria provided, single submitter. Criteria: Invitae Variant Classification Sherloc (09022015). Collection method: clinical testing. Allele origin: germline.

Molecular Diagnostic Laboratory for Inherited Cardiovascular Disease, Montreal Heart Institute
Classification: Likely benign. Last evaluated: 2025-04-09. Review status: criteria provided, single submitter. Criteria: ACMG Guidelines, 2015. Collection method: clinical testing. Allele origin: germline. Affected: no.

Blueprint Genetics
Classification: Likely benign. Last evaluated: 2024-04-12. Review status: criteria provided, single submitter. Criteria: ACMG Guidelines, 2015. Collection method: clinical testing. Allele origin: germline.

Genome-Nilou Lab
Classification: Benign for Cardiac arrhythmia, ankyrin-B-related. Last evaluated: 2021-12-05. Review status: criteria provided, single submitter. Criteria: ACMG Guidelines, 2015. Collection method: clinical testing. Allele origin: germline. Affected: no.

Fulgent Genetics
Classification: Likely benign for Cardiac arrhythmia, ankyrin-B-related. Last evaluated: 2021-09-01. Review status: criteria provided, single submitter. Criteria: ACMG Guidelines, 2015. Collection method: clinical testing. Allele origin: unknown.

Ambry Genetics
Classification: Likely benign for Cardiovascular phenotype. Last evaluated: 2020-01-02. Review status: criteria provided, single submitter. Criteria: Ambry Variant Classification Scheme 2023. Collection method: clinical testing. Allele origin: germline.

GeneDx
Classification: Likely benign. Last evaluated: 2018-01-16. Review status: criteria provided, single submitter. Criteria: GeneDx Variant Classification (06012015). Collection method: clinical testing. Allele origin: germline. Affected: yes.
Comment: This variant is considered likely benign or benign based on one or more of the following criteria: it is a conservative change, it occurs at a poorly conserved position in the protein, it is predicted to be benign by multiple in silico algorithms, and/or has population frequency not consistent with disease.

Illumina Laboratory Services, Illumina
Classification: Benign for Cardiac arrhythmia, ankyrin-B-related. Last evaluated: 2017-12-04. Review status: criteria provided, single submitter. Criteria: ICSL Variant Classification Criteria 13 December 2019. Collection method: clinical testing. Allele origin: germline.
Comment: This variant was observed as part of a predisposition screen in an ostensibly healthy population. A literature search was performed for the gene, cDNA change, and amino acid change (where applicable). Publications were found based on this search. The evidence from the literature, in combination with allele frequency data from public databases where available, was sufficient to rule this variant out of causing disease. Therefore, this variant is classified as benign.

Women's Health and Genetics/Laboratory Corporation of America, LabCorp
Classification: Benign. Last evaluated: 2017-05-22. Review status: criteria provided, single submitter. Criteria: LabCorp Variant Classification Summary - May 2015. Collection method: clinical testing. Allele origin: germline.
Comment: Variant summary: The ANK2 c.1135C>T (p.Arg379Cys) variant involves the alteration of a conserved nucleotide. 4/4 in silico tools predict a damaging outcome for this variant (SNPs&GO not captured due to low reliability index). This variant was found in 83/121354 control chromosomes (1 homozygote), predominantly observed in the South Asian cohort at a frequency of 0.004543 (75/16510). This frequency is about 454 times the estimated maximal expected allele frequency of a pathogenic ANK2 variant (0.00001). Therefore, suggesting this is likely a benign polymorphism found primarily in population(s) of South Asian origin. A publication, Al-Shamsi_2016, indicates the variant to have been found in affected heterozygous siblings, however, co-occurrence information was not provided and the parents were indicated to have been heterozygous for the variant, although phenotypic information was not provided for the parents. A clinical diagnostic laboratory classified this variant as uncertain significance, however, classification was assigned prior to ExAC data. Therefore, taking all available lines of evidence into consideration, the variant of interest is classified as benign.

PreventionGenetics, part of Exact Sciences
Classification: Likely benign for ANK2-related condition. Last evaluated: 2020-11-30. Review status: no assertion criteria provided. Collection method: clinical testing. Allele origin: germline. Not counted in ClinVar's aggregate classification.
Comment: This variant is classified as likely benign based on ACMG/AMP sequence variant interpretation guidelines (Richards et al. 2015 PMID: 25741868, with internal and published modifications).

Literature cited by the submitters: PubMed 27391121 (cited by 3 submitters); PubMed 28988457 (cited by Ambry Genetics).

NM_001148.6(ANK2):c.1135C>T (p.Arg379Cys)

Gene: ANK2 (ankyrin 2; plus strand). Cytogenetic location: 4q26.
Variant type: single nucleotide variant.
Coding change: c.1135C>T on transcript NM_001148.6 (MANE Select); coding-DNA position 1135, C replaced by T.
Protein change: p.Arg379Cys; replaces arginine 379 with cysteine.
Molecular consequence: missense variant.
Genome position (GRCh38, 1-based): chr4:113,255,879, C>T. VCF-style: chr4-113255879-C-T. GRCh37 (hg19) VCF-style: chr4-114177035-C-T.
Other names: p.R379C:CGT>TGT; c.1072C>T, p.Arg358Cys (NM_001127493.3, NM_001354239.2, NM_001354243.2 and 14 more transcripts); c.1135C>T, p.Arg379Cys (NM_001354225.2, NM_001354228.2, NM_001354232.2 and 9 more transcripts); c.1180C>T, p.Arg394Cys (NM_001354230.2, NM_001354231.2, NM_001354237.2 and 5 more transcripts); c.1048C>T, p.Arg350Cys (NM_001354249.2, NM_001354260.2, NM_001354264.2 and 16 more transcripts); c.1093C>T, p.Arg365Cys (NM_001354261.2, NM_001386147.1, NM_001386160.1); c.1123C>T, p.Arg375Cys (NM_001354269.3, NM_001386148.2, NM_001386186.2); c.1186C>T, p.Arg396Cys (NM_001386174.1); and 3 more; short protein forms R358C, R379C, R365C, R375C, R350C, R394C, R367C, R388C.
Identifiers: ClinVar variation 190542 (VCV000190542.20), dbSNP rs143043717, ClinGen allele CA300770.